The following is an entry in ClinVar:

ClinVar aggregate classification (germline): Conflicting classifications of pathogenicity. Review status: criteria provided, conflicting classifications (1 of 4 stars). 4 submissions from 4 submitters: Uncertain significance (1); Benign (1); Likely benign (2). Last evaluated 2025-12-17.

Conditions:
Hereditary cancer-predisposing syndrome. Also called: Tumor predisposition; Neoplastic Syndromes, Hereditary; Hereditary Cancer Syndrome; Hereditary neoplastic syndrome. Identifiers: Orphanet 140162, MedGen C0027672, MeSH D009386, MONDO:0015356.
Familial cancer of breast. Also called: Hereditary breast cancer; BREAST CANCER, FAMILIAL; hereditary breast carcinoma. Identifiers: Orphanet 227535, MedGen C0346153, MONDO:0016419, OMIM 114480. Disease mechanism: loss of function.
Ataxia-telangiectasia syndrome (AT). Also called: Ataxia-telangiectasia; Cerebello-oculocutaneous telangiectasia; Immunodeficiency with ataxia telangiectasia; ATAXIA-TELANGIECTASIA, COMPLEMENTATION GROUP A; ATAXIA-TELANGIECTASIA, FRESNO VARIANT; Ataxia-telangiectasia, complementation group D. Identifiers: Orphanet 100, MedGen C0004135, MONDO:0008840, OMIM 208900.

Submissions (4):

Labcorp Genetics (formerly Invitae), Labcorp
Classification: Likely benign for Ataxia-telangiectasia syndrome. Last evaluated: 2025-12-17. Review status: criteria provided, single submitter. Criteria: Invitae Variant Classification Sherloc (09022015). Collection method: clinical testing. Allele origin: germline.

Center for Genomic Medicine, Rigshospitalet, Copenhagen University Hospital
Classification: Uncertain significance. Last evaluated: 2025-03-04. Review status: criteria provided, single submitter. Criteria: ACMG Guidelines, 2015. Collection method: clinical testing. Allele origin: germline.

Myriad Genetics, Inc.
Classification: Benign for Familial cancer of breast. Last evaluated: 2024-05-09. Review status: criteria provided, single submitter. Criteria: Myriad Autosomal Dominant, Autosomal Recessive and X-Linked Classification Criteria (2023). Collection method: clinical testing. Allele origin: unknown.
Comment: This variant is considered benign. This variant is a silent/synonymous amino acid change and it is not expected to impact splicing.

Ambry Genetics
Classification: Likely benign for Hereditary cancer-predisposing syndrome. Last evaluated: 2019-10-08. Review status: criteria provided, single submitter. Criteria: Ambry Variant Classification Scheme 2023. Collection method: clinical testing. Allele origin: germline.

NM_000051.4(ATM):c.2547G>A (p.Val849=)

Gene: ATM (ATM serine/threonine kinase; plus strand). Cytogenetic location: 11q22.3.
Variant type: single nucleotide variant.
Coding change: c.2547G>A on transcript NM_000051.4 (MANE Select); coding-DNA position 2547, G replaced by A.
Protein change: p.Val849=; no amino-acid change (valine 849 retained).
Molecular consequence: synonymous variant.
Genome position (GRCh38, 1-based): chr11:108,267,251, G>A. VCF-style: chr11-108267251-G-A. GRCh37 (hg19) VCF-style: chr11-108137978-G-A.
Other names: c.2547G>A, p.Val849= (NM_001351834.2).
Identifiers: ClinVar variation 414528 (VCV000414528.18), dbSNP rs1060504262, ClinGen allele CA16613106.
Genomic context (GRCh38, chr11:108,267,251, plus strand): 5'-ATTTGACCGTGGAGAAGTAGAATCAATGGAAGATGATACTAATGGAAATCTAATGGAGGT[G>A]GAGGATCAGTCATCCATGAATCTATTTAACGATTACCCTGATAGTAGTGTTAGTGATGCA-3'
Protein context (NP_000042.3, residues 839-859): EDDTNGNLME[Val849=]EDQSSMNLFN